The following is an entry in ClinVar:

ClinVar aggregate classification (germline): Uncertain significance (1 of 4 stars; one submission).

Conditions:
Immunodeficiency, developmental delay, and hypohomocysteinemia. Identifiers: MedGen C4540293, MONDO:0060591, OMIM 617744.

Submission:

Laboratorio de Genetica e Diagnostico Molecular, Hospital Israelita Albert Einstein
Classification: Uncertain significance for Immunodeficiency, developmental delay, and hypohomocysteinemia. Last evaluated: 2023-10-16. Review status: criteria provided, single submitter. Criteria: ACMG Guidelines, 2015. Collection method: clinical testing. Allele origin: germline. Affected: yes.
Comment: ACMG classification criteria: PM2 moderate, BP4 supporting

NM_006164.5(NFE2L2):c.743A>T (p.Asn248Ile)

Gene: NFE2L2 (NFE2 like bZIP transcription factor 2; minus strand). Cytogenetic location: 2q31.2.
Variant type: single nucleotide variant.
Coding change: c.743A>T on transcript NM_006164.5 (MANE Select); coding-DNA position 743, A replaced by T.
Protein change: p.Asn248Ile; replaces asparagine 248 with isoleucine.
Molecular consequence: missense variant.
Genome position (GRCh38, 1-based): chr2:177,231,860, T>A on the plus strand (A>T on the coding strand, the complement: NFE2L2 is on the minus strand). VCF-style: chr2-177231860-T-A. GRCh37 (hg19) VCF-style: chr2-178096588-T-A.
Other names: c.695A>T, p.Asn232Ile (NM_001145412.3, NM_001313900.1, NM_001313901.1); c.674A>T, p.Asn225Ile (NM_001145413.3); c.653A>T, p.Asn218Ile (NM_001313902.2); c.524A>T, p.Asn175Ile (NM_001313903.2); c.443A>T, p.Asn148Ile (NM_001313904.1); short protein forms N148I, N175I, N218I, N225I, N232I, N248I.
Identifiers: ClinVar variation 4056650 (VCV004056650.1).